The following is an entry in ClinVar:

ClinVar aggregate classification (germline): Pathogenic/Likely pathogenic. Review status: criteria provided, multiple submitters, no conflicts (2 of 4 stars). 5 submissions from 5 submitters: Pathogenic (3); Likely pathogenic (1). 1 of the submissions does not count toward it. Last evaluated 2024-05-31.

Conditions:
Holocarboxylase synthetase deficiency. Also called: MULTIPLE CARBOXYLASE DEFICIENCY, EARLY ONSET. Identifiers: Orphanet 79242, MedGen C0268581, MONDO:0009666, OMIM 253270.

Allele frequency attached by ClinVar (database versions not stated): gnomAD exomes below 0.00001 and 0.00002; ExAC 0.00002.
gnomAD v4.1: 5 of 1,614,088 alleles (0.00031%); highest among the groups gnomAD compares: East Asian, 0.0067%; no homozygotes.

Submissions (5):

Natera, Inc.
Classification: Likely pathogenic for Holocarboxylase synthetase deficiency. Last evaluated: 2024-05-31. Review status: criteria provided, single submitter. Criteria: Natera Variant Classification Schema (03/2026). Collection method: clinical testing. Allele origin: germline.
Comment: The c.1088T>A variant in HLCS is a missense variant predicted to cause substitution of valine to aspartic acid at amino acid 363. This variant is rare in the general population with a frequency below the threshold expected for the associated phenotype(s). This variant has been observed in one or more individuals affected with the associated recessive disease, as either homozygous or compound heterozygous with a second variant (PMID: 8817339). Computational prediction algorithms indicate this variant is likely to affect gene or protein function. Given the available evidence, this variant is classified as Likely Pathogenic.

Labcorp Genetics (formerly Invitae), Labcorp
Classification: Pathogenic for Holocarboxylase synthetase deficiency. Last evaluated: 2023-10-03. Review status: criteria provided, single submitter. Criteria: Invitae Variant Classification Sherloc (09022015). Collection method: clinical testing. Allele origin: germline.
Comment: This sequence change replaces valine, which is neutral and non-polar, with aspartic acid, which is acidic and polar, at codon 363 of the HLCS protein (p.Val363Asp). This variant is present in population databases (rs769499327, gnomAD 0.02%). This missense change has been observed in individual(s) with holocarboxylase synthetase deficiency (PMID: 8817339, 19806568; Invitae). In at least one individual the data is consistent with being in trans (on the opposite chromosome) from a pathogenic variant. ClinVar contains an entry for this variant (Variation ID: 550218). Advanced modeling of protein sequence and biophysical properties (such as structural, functional, and spatial information, amino acid conservation, physicochemical variation, residue mobility, and thermodynamic stability) performed at Invitae indicates that this missense variant is expected to disrupt HLCS protein function. Experimental studies have shown that this missense change affects HLCS function (PMID: 10068510, 10590022). For these reasons, this variant has been classified as Pathogenic.

Women's Health and Genetics/Laboratory Corporation of America, LabCorp
Classification: Pathogenic for Holocarboxylase synthetase deficiency. Last evaluated: 2023-07-20. Review status: criteria provided, single submitter. Criteria: LabCorp Variant Classification Summary - May 2015. Collection method: clinical testing. Allele origin: germline.
Comment: Variant summary: HLCS c.1088T>A (p.Val363Asp) results in a non-conservative amino acid change in the encoded protein sequence. Five of five in-silico tools predict a damaging effect of the variant on protein function. The variant allele was found at a frequency of 1.6e-05 in 251476 control chromosomes (gnomAD). c.1088T>A has been reported in the literature in individuals affected with Holocarboxylase Synthetase Deficiency (examples: Dupuis_1996, Wang_2009, and Esparza_2011). These data indicate that the variant is likely to be associated with disease. Multiple experimental studies have shown that this missense change affects normal protein activity (example: Dupuis_1999 and Sakamoto_1999). The following publications have been ascertained in the context of this evaluation (PMID: 8817339, 10068510, 21615476, 10590022, 19695181). Two submitters have cited clinical-significance assessments for this variant to ClinVar after 2014. All submitters classified the variant as pathogenic/likely pathogenic. Based on the evidence outlined above, the variant was classified as pathogenic.

Juno Genomics, Hangzhou Juno Genomics, Inc
Classification: Pathogenic for Holocarboxylase synthetase deficiency. Review status: criteria provided, single submitter. Criteria: ACMG Guidelines, 2015. Collection method: clinical testing. Allele origin: germline.
Comment: Absent from controls (or at extremely low frequency if recessive) in Genome Aggregation Database.;Multiple lines of computational evidence support a deleterious effect on the gene or gene product.;For recessive disorders, detected in trans with a pathogenic variant.;Patient's phenotype or family history is highly specific for a disease with a single genetic etiology.

Counsyl
Classification: Likely pathogenic for Holocarboxylase synthetase deficiency. Last evaluated: 2017-01-11. Review status: no assertion criteria provided. Collection method: clinical testing. Allele origin: unknown. Not counted in ClinVar's aggregate classification.

Literature cited by the submitters: PubMed 8817339 (cited by 4 submitters); PubMed 19806568 (cited by Labcorp Genetics (formerly Invitae), Labcorp); PubMed 10068510 (cited by 3 submitters); PubMed 10590022 (cited by 3 submitters); PubMed 21615476 (cited by Women's Health and Genetics/Laboratory Corporation of America, LabCorp); PubMed 19695181 (cited by Women's Health and Genetics/Laboratory Corporation of America, LabCorp and Counsyl).

NM_001352514.2(HLCS):c.1529T>A (p.Val510Asp)

Gene: HLCS (holocarboxylase synthetase; minus strand). Cytogenetic location: 21q22.13.
Variant type: single nucleotide variant.
Coding change: c.1529T>A on transcript NM_001352514.2 (MANE Select); coding-DNA position 1529, T replaced by A.
Protein change: p.Val510Asp; replaces valine 510 with aspartic acid.
Molecular consequence: missense variant. On other transcripts: non-coding transcript variant (2).
Genome position (GRCh38, 1-based): chr21:36,930,342, A>T on the plus strand (T>A on the coding strand, the complement: HLCS is on the minus strand). VCF-style: chr21-36930342-A-T. GRCh37 (hg19) VCF-style: chr21-38302642-A-T.
Other names: c.1088T>A, p.Val363Asp (NM_000411.8, NM_001242784.3, NM_001242785.2 and 4 more transcripts); c.1088T>A (NM_000411.7); short protein forms V363D, V510D.
Identifiers: ClinVar variation 550218 (VCV000550218.15), dbSNP rs769499327, ClinGen allele CA10020533.